The following is an entry in ClinVar:

ClinVar aggregate classification (germline): Pathogenic (1 of 4 stars; one submission).

Conditions:
Charcot-Marie-Tooth disease type 2. Also called: Charcot-Marie-Tooth type 2. Identifiers: Orphanet 64746, MedGen C0270914, MONDO:0018993.

Submission:

Labcorp Genetics (formerly Invitae), Labcorp
Classification: Pathogenic for Charcot-Marie-Tooth disease type 2. Last evaluated: 2025-09-01. Review status: criteria provided, single submitter. Criteria: Invitae Variant Classification Sherloc (09022015). Collection method: clinical testing. Allele origin: germline.
Comment: This sequence change affects an acceptor splice site in intron 1 of the LMNA gene. It is expected to disrupt RNA splicing. Variants that disrupt the donor or acceptor splice site typically lead to a loss of protein function (PMID: 16199547), and loss-of-function variants in LMNA are known to be pathogenic (PMID: 18585512, 18926329). This variant is not present in population databases (gnomAD no frequency). Disruption of this splice site has been observed in individuals with dilated cardiomyopathy (PMID: 18585512, 27182706). Algorithms developed to predict the effect of sequence changes on RNA splicing suggest that this variant may disrupt the consensus splice site. For these reasons, this variant has been classified as Pathogenic.

Literature cited by the submitters: PubMed 16199547; PubMed 18585512; PubMed 18926329; PubMed 27182706.

NM_170707.4(LMNA):c.357-1G>C

Genes: LMNA (lamin A/C; plus strand), LOC126805877 (MED14-independent group 3 enhancer GRCh37_chr1:156099693-156100892; plus strand). Cytogenetic location: 1q22.
Variant type: single nucleotide variant.
Coding change: c.357-1G>C on transcript NM_170707.4 (MANE Select); the canonical splice acceptor site of the intron before coding-DNA position 357, G replaced by C.
Molecular consequence: splice acceptor variant. On other transcripts: intron variant (4).
Genome position (GRCh38, 1-based): chr1:156,130,616, G>C. VCF-style: chr1-156130616-G-C. GRCh37 (hg19) VCF-style: chr1-156100407-G-C.
Other names: c.357-1G>C (NM_001406983.1, NM_001282625.2, NM_001406984.1 and 6 more transcripts); c.-45-3787G>C (NM_001407002.1, NM_001406995.1, NM_001406990.1); c.-202-1G>C (NM_001406993.1, NM_001407003.1, NM_001406996.1 and 1 more transcripts); c.-308-1G>C (NM_001406999.1, NM_001407000.1, NM_001406994.1); c.114-1G>C (NM_001406986.1, NM_001406987.1, NM_001282624.2); c.-151-3787G>C (NM_001407001.1); c.21-1G>C (NM_001406989.1, NM_001257374.3, NM_001406998.1); c.60-1G>C (NM_001406988.1).
Identifiers: ClinVar variation 4726441 (VCV004726441.1).